The following is an entry in ClinVar:

ClinVar aggregate classification (germline): Pathogenic/Likely pathogenic. Review status: criteria provided, multiple submitters, no conflicts (2 of 4 stars). 4 submissions from 4 submitters: Pathogenic (1); Likely pathogenic (3). Last evaluated 2025-06-23.

Conditions:
Acute lymphoid leukemia (ALL). Also called: Leukemia, acute lymphoblastic, somatic; Lymphoblastic leukemia; Acute lymphoblastic leukemia; Acute lymphocytic leukemia. Identifiers: Orphanet 513, MedGen C0023449, MONDO:0004967, OMIM 613065, HP:0006721.
Microcephaly, normal intelligence and immunodeficiency (NBS). Also called: IMMUNODEFICIENCY, MICROCEPHALY, AND CHROMOSOMAL INSTABILITY; Immunodeficiency, microcephaly with normal intelligence; SEEMANOVA SYNDROME II; Ataxia telangiectasia variant V1; Microcephaly with normal intelligence immunodeficiency and lymphoreticular malignancies; Nonsyndromal microcephaly autosomal recessive with normal intelligence. Identifiers: Orphanet 647, MedGen C0398791, MONDO:0009623, OMIM 251260.
Aplastic anemia. Identifiers: Orphanet 182040, Orphanet 88, MedGen C0002874, MONDO:0015909, OMIM 609135, HP:0001915.

Submissions (4):

Natera, Inc.
Classification: Likely pathogenic for Nijmegen breakage syndrome. Last evaluated: 2025-06-23. Review status: criteria provided, single submitter. Criteria: Natera Variant Classification Schema (03/2026). Collection method: clinical testing. Allele origin: germline.
Comment: The c.1327A>T variant in NBN is a nonsense variant predicted to introduce a stop codon at amino acid 443. This variant is expected to result in nonsense mediated decay, truncation, or a dysfunctional protein product. This variant is rare in the general population with a frequency below the threshold expected for the associated phenotype(s). Given the available evidence, this variant is classified as Likely Pathogenic.

Baylor Genetics
Classification: Likely pathogenic for Aplastic anemia. Last evaluated: 2024-03-29. Review status: criteria provided, single submitter. Criteria: ACMG Guidelines, 2015. Collection method: clinical testing. Allele origin: unknown.

Fulgent Genetics
Classification: Likely pathogenic for Microcephaly, normal intelligence and immunodeficiency; Aplastic anemia; Acute lymphoid leukemia. Last evaluated: 2024-03-12. Review status: criteria provided, single submitter. Criteria: ACMG Guidelines, 2015. Collection method: clinical testing. Allele origin: germline.

Labcorp Genetics (formerly Invitae), Labcorp
Classification: Pathogenic for Microcephaly, normal intelligence and immunodeficiency. Last evaluated: 2023-07-31. Review status: criteria provided, single submitter. Criteria: Invitae Variant Classification Sherloc (09022015). Collection method: clinical testing. Allele origin: germline.
Comment: This sequence change creates a premature translational stop signal (p.Lys443*) in the NBN gene. It is expected to result in an absent or disrupted protein product. Loss-of-function variants in NBN are known to be pathogenic (PMID: 9590180, 16415040). This variant is not present in population databases (gnomAD no frequency). This variant has not been reported in the literature in individuals affected with NBN-related conditions. ClinVar contains an entry for this variant (Variation ID: 645490). For these reasons, this variant has been classified as Pathogenic.

Literature cited by the submitters: PubMed 9590180 (cited by Labcorp Genetics (formerly Invitae), Labcorp); PubMed 16415040 (cited by Labcorp Genetics (formerly Invitae), Labcorp).

NM_002485.5(NBN):c.1327A>T (p.Lys443Ter)

Gene: NBN (nibrin; minus strand). Cytogenetic location: 8q21.3.
Variant type: single nucleotide variant.
Coding change: c.1327A>T on transcript NM_002485.5 (MANE Select); coding-DNA position 1327, A replaced by T.
Protein change: p.Lys443Ter; replaces lysine 443 with a stop codon.
Molecular consequence: nonsense.
Genome position (GRCh38, 1-based): chr8:89,955,353, T>A on the plus strand (A>T on the coding strand, the complement: NBN is on the minus strand). VCF-style: chr8-89955353-T-A. GRCh37 (hg19) VCF-style: chr8-90967581-T-A.
Other names: c.1081A>T, p.Lys361Ter (NM_001024688.3); short protein forms K361*, K443*.
Identifiers: ClinVar variation 645490 (VCV000645490.10), dbSNP rs1554559094, ClinGen allele CA371656107.